The following is an entry in ClinVar:

NM_001433705.1(NLRP5):c.2997C>T (p.Thr999=)

Gene: NLRP5 (NLR family pyrin domain containing 5; plus strand). Cytogenetic location: 19q13.43.
Variant type: single nucleotide variant.
Coding change: c.2997C>T on transcript NM_001433705.1 (MANE Select); coding-DNA position 2997, C replaced by T.
Protein change: p.Thr999=; no amino-acid change (threonine 999 retained).
Molecular consequence: synonymous variant.
Genome position (GRCh38, 1-based): chr19:56,053,659, C>T. VCF-style: chr19-56053659-C-T. GRCh37 (hg19) VCF-style: chr19-56565025-C-T.
Other names: NM_153447.4:c.3150C>T.
Identifiers: ClinVar variation 729213 (VCV000729213.6), dbSNP rs139664065, ClinGen allele CA9686160.

ClinVar aggregate classification (germline): Benign. Review status: criteria provided, multiple submitters, no conflicts (2 of 4 stars). 3 submissions from 3 submitters: Benign (2). 1 of the submissions does not count toward it. Last evaluated 2018-09-24.

Conditions:
NLRP5-related disorder. Also called: NLRP5-related condition.

Allele frequency attached by ClinVar (database versions not stated): gnomAD exomes 0.00024 and 0.00055; ESP Exome Variant Server 0.00185; gnomAD 0.00211 and 0.00225; TOPMed 0.00232; ExAC 0.00071; 1000 Genomes Project 30x 0.00265; 1000 Genomes Project 0.00280.
gnomAD v4.1: 681 of 1,613,622 alleles (0.042%); highest among the groups gnomAD compares: African/African-American, 0.75%; 3 homozygotes.

Submissions (3):

Labcorp Genetics (formerly Invitae), Labcorp
Classification: Benign. Last evaluated: 2018-09-24. Review status: criteria provided, single submitter. Criteria: Invitae Variant Classification Sherloc (09022015). Collection method: clinical testing. Allele origin: germline.

Breakthrough Genomics
Classification: Benign. Review status: criteria provided, single submitter. Criteria: ACMG Guidelines, 2015. Collection method: not provided. Allele origin: germline. Inheritance: Unknown mechanism. Affected: yes.

PreventionGenetics, part of Exact Sciences
Classification: Benign for NLRP5-related condition. Last evaluated: 2020-01-06. Review status: no assertion criteria provided. Collection method: clinical testing. Allele origin: germline. Not counted in ClinVar's aggregate classification.
Comment: This variant is classified as benign based on ACMG/AMP sequence variant interpretation guidelines (Richards et al. 2015 PMID: 25741868, with internal and published modifications).